The following is an entry in ClinVar:

NM_022124.6(CDH23):c.5632G>A (p.Ala1878Thr)

Gene: CDH23 (cadherin related 23; plus strand). Cytogenetic location: 10q22.1.
Variant type: single nucleotide variant.
Coding change: c.5632G>A on transcript NM_022124.6 (MANE Select); coding-DNA position 5632, G replaced by A.
Protein change: p.Ala1878Thr; replaces alanine 1878 with threonine.
Molecular consequence: missense variant.
Genome position (GRCh38, 1-based): chr10:71,785,020, G>A. VCF-style: chr10-71785020-G-A. GRCh37 (hg19) VCF-style: chr10-73544777-G-A.
Other names: short protein forms A1878T.
Identifiers: ClinVar variation 517480 (VCV000517480.12), dbSNP rs757570269, ClinGen allele CA5545820.

ClinVar aggregate classification (germline): Uncertain significance. Review status: criteria provided, multiple submitters, no conflicts (2 of 4 stars). 6 submissions from 6 submitters: Uncertain significance (5). 1 of the submissions does not count toward it. Last evaluated 2025-08-25.

Conditions:
Inborn genetic diseases. Identifiers: MedGen C0950123, MeSH D030342.
Usher syndrome type 1 (USH1). Also called: RETINITIS PIGMENTOSA AND CONGENITAL DEAFNESS. Identifiers: Orphanet 231169, Orphanet 886, MedGen C1568247, MONDO:0010168, OMIM 276900.

Allele frequency attached by ClinVar (database versions not stated): ExAC 0.00002; gnomAD 0.00002; TOPMed 0.00004.
gnomAD v4.1: 26 of 1,613,936 alleles (0.0016%); highest among the groups gnomAD compares: African/African-American, 0.011%; no homozygotes.

Submissions (6):

Ambry Genetics
Classification: Uncertain significance for Inborn genetic diseases. Last evaluated: 2025-08-25. Review status: criteria provided, single submitter. Criteria: Ambry Variant Classification Scheme 2023. Collection method: clinical testing. Allele origin: germline.

Labcorp Genetics (formerly Invitae), Labcorp
Classification: Uncertain significance. Last evaluated: 2024-11-11. Review status: criteria provided, single submitter. Criteria: Invitae Variant Classification Sherloc (09022015). Collection method: clinical testing. Allele origin: germline.
Comment: This sequence change replaces alanine, which is neutral and non-polar, with threonine, which is neutral and polar, at codon 1878 of the CDH23 protein (p.Ala1878Thr). This variant is present in population databases (rs757570269, gnomAD 0.004%). This variant has not been reported in the literature in individuals affected with CDH23-related conditions. ClinVar contains an entry for this variant (Variation ID: 517480). Invitae Evidence Modeling of protein sequence and biophysical properties (such as structural, functional, and spatial information, amino acid conservation, physicochemical variation, residue mobility, and thermodynamic stability) has been performed for this missense variant. However, the output from this modeling did not meet the statistical confidence thresholds required to predict the impact of this variant on CDH23 protein function. In summary, the available evidence is currently insufficient to determine the role of this variant in disease. Therefore, it has been classified as a Variant of Uncertain Significance.

Blueprint Genetics
Classification: Uncertain significance. Last evaluated: 2022-03-18. Review status: criteria provided, single submitter. Criteria: ACMG Guidelines, 2015. Collection method: clinical testing. Allele origin: germline.

GeneDx
Classification: Uncertain significance. Last evaluated: 2022-01-12. Review status: criteria provided, single submitter. Criteria: GeneDx Variant Classification Process June 2021. Collection method: clinical testing. Allele origin: germline. Affected: yes.
Comment: Not observed at significant frequency in large population cohorts (gnomAD); In silico analysis supports that this missense variant does not alter protein structure/function; Has not been previously published as pathogenic or benign to our knowledge; This variant is associated with the following publications: (PMID: 15537665)

Laboratory for Molecular Medicine, Mass General Brigham Personalized Medicine
Classification: Uncertain significance. Last evaluated: 2017-07-13. Review status: criteria provided, single submitter. Criteria: LMM Criteria. Collection method: clinical testing. Allele origin: germline. Observed: 1 variant allele.
Comment: The p.Ala1878Thr variant in CDH23 has not been previously reported in individual s with hearing loss or Usher syndrome, but has been identified in 5/111700 Europ ean chromosomes by the Genome Aggregation Database (gnomAD; dbSNP rs757570269). Although this variant has been seen in the ge neral population, its frequency is not high enough to rule out a pathogenic role . Computational prediction tools and conservation analysis suggest that the vari ant may impact the protein, though this information is not predictive enough to determine pathogenicity. In summary, the clinical significance of the p.Ala1878T hr variant is uncertain.

Natera, Inc.
Classification: Uncertain significance for Usher syndrome type 1. Last evaluated: 2019-10-28. Review status: no assertion criteria provided. Collection method: clinical testing. Allele origin: germline. Not counted in ClinVar's aggregate classification.